The following is an entry in ClinVar:

NM_001283009.2(RTEL1):c.2852G>C (p.Gly951Ala)

Genes: RTEL1 (regulator of telomere elongation helicase 1; plus strand), RTEL1-TNFRSF6B (RTEL1-TNFRSF6B readthrough (NMD candidate); plus strand). Cytogenetic location: 20q13.33.
Variant type: single nucleotide variant.
Coding change: c.2852G>C on transcript NM_001283009.2 (MANE Select); coding-DNA position 2852, G replaced by C.
Protein change: p.Gly951Ala; replaces glycine 951 with alanine.
Molecular consequence: missense variant. On other transcripts: non-coding transcript variant (1).
Genome position (GRCh38, 1-based): chr20:63,693,143, G>C. VCF-style: chr20-63693143-G-C. GRCh37 (hg19) VCF-style: chr20-62324496-G-C.
Other names: c.2183G>C, p.Gly728Ala (NM_001283010.1); c.2852G>C, p.Gly951Ala (NM_016434.4); c.2924G>C, p.Gly975Ala (NM_032957.5); short protein forms G951A, G975A, G728A.
Identifiers: ClinVar variation 1398564 (VCV001398564.8), dbSNP rs925928624, ClinGen allele CA317521848.
Genomic context (GRCh38, chr20:63,693,143, plus strand): 5'-GTGGTCTCTGTTCTCTAGAGAAAAAGGGGCAGATGGGGACAGACGCCCCTTCCTCTACAG[G>C]CTTCTACCAGTTTGTGCGGCCCCACCATAAGCAGCAGTTTGAGGAGGTCTGTATCCAGCT-3'
Protein context (NP_001269938.1, residues 941-961): EDPKKHNLLQ[Gly951Ala]FYQFVRPHHK

ClinVar aggregate classification (germline): Uncertain significance. Review status: criteria provided, multiple submitters, no conflicts (2 of 4 stars). 3 submissions from 3 submitters: Uncertain significance (3). Last evaluated 2026-08-06.

Conditions:
Inborn genetic diseases. Identifiers: MedGen C0950123, MeSH D030342.
Dyskeratosis congenita, autosomal recessive 5 (DKCB5). Identifiers: MedGen C3554656, MONDO:0014076, OMIM 615190.
Pulmonary fibrosis and/or bone marrow failure, Telomere-related, 3. Also called: PULMONARY FIBROSIS AND/OR BONE MARROW FAILURE SYNDROME, TELOMERE-RELATED, 3. Identifiers: Orphanet 2032, MedGen C4225346, MONDO:0014613, OMIM 616373.

gnomAD v4.1: 7 of 1,612,210 alleles (0.00043%); highest among the groups gnomAD compares: Admixed American, 0.005%; no homozygotes.

Submissions (3):

OLLIN Analises Genomicas, OLLIN
Classification: Uncertain significance for Pulmonary fibrosis and/or bone marrow failure, Telomere-related, 3. Last evaluated: 2026-08-06. Review status: criteria provided, single submitter. Criteria: ACMG Guidelines 2015 PMID 25741868. Collection method: clinical testing. Allele origin: germline. Inheritance: Autosomal dominant inheritance.
Comment: This missense variant, located in exon 30 (of 35), has been reported in ClinVar (accession VCV001398564.7) and in gnomAD with an allele frequency of 0.00043%. However, to our knowledge, it has not been reported in the scientific literature. In silico analysis predicts that this variant has a deleterious effect. Another pathogenic variant has been reported to result in the same amino acid substitution. According to the currently available evidence, this variant has been classified as uncertain significance (PS1_P, PM2_P, PP3).

Labcorp Genetics (formerly Invitae), Labcorp
Classification: Uncertain significance for Dyskeratosis congenita, autosomal recessive 5; Pulmonary fibrosis and/or bone marrow failure, Telomere-related, 3. Last evaluated: 2025-12-24. Review status: criteria provided, single submitter. Criteria: Invitae Variant Classification Sherloc (09022015). Collection method: clinical testing. Allele origin: germline.
Comment: This sequence change replaces glycine, which is neutral and non-polar, with alanine, which is neutral and non-polar, at codon 951 of the RTEL1 protein (p.Gly951Ala). This variant is not present in population databases (gnomAD no frequency). This variant has not been reported in the literature in individuals affected with RTEL1-related conditions. ClinVar contains an entry for this variant (Variation ID: 1398564). An algorithm developed to predict the effect of missense changes on protein structure and function (PolyPhen-2) suggests that this variant is likely to be disruptive. Algorithms developed to predict the effect of sequence changes on RNA splicing suggest that this variant may disrupt the consensus splice site. In summary, the available evidence is currently insufficient to determine the role of this variant in disease. Therefore, it has been classified as a Variant of Uncertain Significance.

Ambry Genetics
Classification: Uncertain significance for Inborn genetic diseases. Last evaluated: 2025-05-17. Review status: criteria provided, single submitter. Criteria: Ambry Variant Classification Scheme 2023. Collection method: clinical testing. Allele origin: germline.
Comment: The p.G951A variant (also known as c.2852G>C) is located in coding exon 29 of the RTEL1 gene. The glycine at codon 951 is replaced by alanine, an amino acid with similar properties. This change occurs in the first base pair of coding exon 29. This amino acid position is conserved. In addition, this alteration is predicted to be tolerated by in silico analysis. Based on the available evidence, the clinical significance of this variant remains unclear.